The following is an entry in ClinVar:

NM_000459.5(TEK):c.2813C>T (p.Ser938Phe)

Gene: TEK (TEK receptor tyrosine kinase; plus strand). Cytogenetic location: 9p21.2.
Variant type: single nucleotide variant.
Coding change: c.2813C>T on transcript NM_000459.5 (MANE Select); coding-DNA position 2813, C replaced by T.
Protein change: p.Ser938Phe; replaces serine 938 with phenylalanine.
Molecular consequence: missense variant.
Genome position (GRCh38, 1-based): chr9:27,212,833, C>T. VCF-style: chr9-27212833-C-T. GRCh37 (hg19) VCF-style: chr9-27212831-C-T.
Other names: c.2684C>T, p.Ser895Phe (NM_001290077.2); c.2369C>T, p.Ser790Phe (NM_001290078.2); c.2810C>T, p.Ser937Phe (NM_001375475.1); c.2681C>T, p.Ser894Phe (NM_001375476.1); short protein forms S895F, S937F, S790F, S938F, S894F.
Identifiers: ClinVar variation 4992873 (VCV004992873.1).

ClinVar aggregate classification (germline): Uncertain significance (1 of 4 stars; one submission).

Conditions:
TEK-related disorder. Also called: TEK-related condition.

Submission:

PreventionGenetics, part of Exact Sciences
Classification: Uncertain significance for TEK-related condition. Last evaluated: 2025-09-11. Review status: criteria provided, single submitter. Criteria: ACMG Guidelines, 2015. Collection method: clinical testing. Allele origin: germline.
Comment: The TEK c.2813C>T variant is predicted to result in the amino acid substitution p.Ser938Phe. To our knowledge, this variant has not been reported in the literature or in a large population database (gnomAD), indicating this variant is rare. At this time, the clinical significance of this variant is uncertain due to the absence of conclusive functional and genetic evidence.